The following is an entry in ClinVar:

NM_007294.4(BRCA1):c.1380dup (p.Phe461fs)

Gene: BRCA1 (BRCA1 DNA repair associated; minus strand). Cytogenetic location: 17q21.31.
Variant type: Duplication.
Coding change: c.1380dup on transcript NM_007294.4 (MANE Select); coding-DNA position 1380, one base duplicated (A; older notation c.1380dupA).
Protein change: p.Phe461fs; shifts the reading frame from phenylalanine 461.
Molecular consequence: frameshift variant. On other transcripts: intron variant (137).
Genome position (GRCh38, 1-based): chr17:43,094,151, T duplicated on the plus strand (A on the coding strand, the reverse complement: BRCA1 is on the minus strand). VCF-style (leftmost placement, unchanged base first): chr17-43094150-A-AT. GRCh37 (hg19) VCF-style: chr17-41246167-A-AT.
Other names: 1499insA; c.1380dupA (NM_007294.3); c.1254dup, p.Phe419fs (NM_001407691.1, NM_001407940.1, NM_001407941.1 and 11 more transcripts); c.1239dup, p.Phe414fs (NM_001407692.1, NM_001407694.1, NM_001407695.1 and 29 more transcripts); c.1236dup, p.Phe413fs (NM_001407740.1, NM_001407741.1, NM_001407742.1 and 20 more transcripts); c.1167dup, p.Phe390fs (NM_001407853.1, NM_001407894.1, NM_001407895.1 and 9 more transcripts); c.1380dup, p.Phe461fs (NM_001407854.1, NM_001407858.1, NM_001407859.1 and 30 more transcripts); c.1377dup, p.Phe460fs (NM_001407860.1, NM_001407861.1, NM_001407587.1 and 22 more transcripts); and 42 more; short protein forms F414fs, F461fs, F165fs, F349fs, F350fs, F393fs, F394fs, F419fs.
Identifiers: ClinVar variation 54226 (VCV000054226.27), dbSNP rs80357714, ClinGen allele CA000916.

ClinVar aggregate classification (germline): Pathogenic. Review status: reviewed by expert panel (3 of 4 stars). 16 submissions from 16 submitters: Pathogenic (1). 15 of the submissions do not count toward it. Last evaluated 2016-09-08.

Conditions:
Hereditary cancer-predisposing syndrome. Also called: Tumor predisposition; Neoplastic Syndromes, Hereditary; Hereditary Cancer Syndrome; Hereditary neoplastic syndrome. Identifiers: Orphanet 140162, MedGen C0027672, MeSH D009386, MONDO:0015356.
Breast neoplasm. Also called: Neoplasm of breast; Breast tumor; Neoplasm of the breast; Breast Neoplasms. Identifiers: MedGen C1458155, MeSH D001943, MONDO:0021100, HP:0100013. Disease mechanism: gain of function.
Hereditary breast ovarian cancer syndrome. Also called: Hereditary breast and ovarian cancer syndrome (HBOC); Hereditary breast and ovarian cancer syndrome; Hereditary breast and ovarian cancer; Hereditary breast and/or ovarian cancer syndrome; Breast and ovarian cancer; BRCA1- and BRCA2-Associated Hereditary Breast and Ovarian Cancer. Identifiers: Orphanet 145, MedGen C0677776, MeSH D061325, MONDO:0003582. Disease mechanism: loss of function.
Breast-ovarian cancer, familial, susceptibility to, 1 (BROVCA1). Also called: OVARIAN CANCER, SUSCEPTIBILITY TO; BRCA1 Hereditary Breast and Ovarian Cancer. Identifiers: Orphanet 145, MedGen C2676676, MONDO:0011450, OMIM 604370. Disease mechanism: loss of function.

Submissions (16):

Evidence-based Network for the Interpretation of Germline Mutant Alleles (ENIGMA)
Classification: Pathogenic for Breast-ovarian cancer, familial, susceptibility to, 1. Last evaluated: 2016-09-08. Review status: reviewed by expert panel. Criteria: ENIGMA BRCA1/2 Classification Criteria (2015). Collection method: curation. Allele origin: germline.
Comment: Variant allele predicted to encode a truncated non-functional protein.

Dasa
Classification: Pathogenic for Breast-ovarian cancer, familial, susceptibility to, 1. Last evaluated: 2025-10-14. Review status: criteria provided, single submitter. Criteria: DASA Assertion Criteria. Collection method: clinical testing. Allele origin: germline. Not counted in ClinVar's aggregate classification.
Comment: NM_007294.4(BRCA1):c.1380dup (p.Phe461Ilefs*19) is a frameshift variant in BRCA1 predicted to alter the reading frame and introduce a premature termination codon and is predicted to result in an absent or altered protein product. Loss of function is an established disease mechanism for BRCA1 (PMID: 32375709; PMID: 21989022; PMID: 11802209). The affected residue or protein region has prior evidence supporting clinical relevance. Also, this variant is absent from population databases. Based on the currently available evidence, this variant is classified as pathogenic.

Labcorp Genetics (formerly Invitae), Labcorp
Classification: Pathogenic for Hereditary breast ovarian cancer syndrome. Last evaluated: 2025-10-14. Review status: criteria provided, single submitter. Criteria: Invitae Variant Classification Sherloc (09022015). Collection method: clinical testing. Allele origin: germline. Not counted in ClinVar's aggregate classification.
Comment: This sequence change creates a premature translational stop signal (p.Phe461Ilefs*19) in the BRCA1 gene. It is expected to result in an absent or disrupted protein product. Loss-of-function variants in BRCA1 are known to be pathogenic (PMID: 20104584). This variant is not present in population databases (gnomAD no frequency). This premature translational stop signal has been observed in individual(s) with breast cancer (PMID: 8808710, 23199084, 24884479). This variant is also known as 1499insA. ClinVar contains an entry for this variant (Variation ID: 54226). For these reasons, this variant has been classified as Pathogenic.

Ambry Genetics
Classification: Pathogenic for Hereditary cancer-predisposing syndrome. Last evaluated: 2025-07-03. Review status: criteria provided, single submitter. Criteria: Ambry Variant Classification Scheme 2023. Collection method: clinical testing. Allele origin: germline. Not counted in ClinVar's aggregate classification.
Comment: The c.1380dupA pathogenic mutation, located in coding exon 9 of the BRCA1 gene, results from a duplication of A at nucleotide position 1380, causing a translational frameshift with a predicted alternate stop codon (p.F461Ifs*19). This mutation has been reported in multiple hereditary breast and/or ovarian cancer (HBOC) families, and is noted to be a founder mutation in Italian populations (Caligo MA et al. Oncogene, 1996 Oct;13:1483-8; Aretini P et al. Breast Cancer Res Treat, 2003 Sep;81:71-9; Judkins T et al. Cancer Res, 2005 Nov;65:10096-103; Veschi S et al. Ann Oncol, 2007 Jun;18 Suppl 6:vi86-92; Musolino A et al. Breast, 2007 Jun;16:280-92; Marroni F et al. Ann. Hum. Genet., 2008 May;72:310-8; Palomba G et al. BMC Cancer, 2009 Jul;9:245; Janaviius R. EPMA J, 2010 Sep;1:397-412; Silva FC et al. BMC Med Genet, 2014 May;15:55; Azzollini J et al. Eur J Intern Med, 2016 Jul;32:65-71; Palmero EI et al. Sci Rep, 2018 06;8:9188; Rebbeck TR et al. Hum Mutat, 2018 05;39:593-620; Toss A et al. Cancers (Basel), 2019 Feb;11:). Of note, this alteration is also designated as 1499insA in published literature. This variant is considered to be rare based on population cohorts in the Genome Aggregation Database (gnomAD). In addition to the clinical data presented in the literature, this alteration is expected to result in loss of function by premature protein truncation or nonsense-mediated mRNA decay. As such, this alteration is interpreted as a disease-causing mutation.

GeneDx
Classification: Pathogenic. Last evaluated: 2025-03-19. Review status: criteria provided, single submitter. Criteria: GeneDx Variant Classification Process June 2021. Collection method: clinical testing. Allele origin: germline. Affected: yes. Not counted in ClinVar's aggregate classification.
Comment: Frameshift variant predicted to result in protein truncation or nonsense mediated decay in a gene for which loss of function is a known mechanism of disease; Truncating variants in this gene are considered pathogenic by a well-established clinical consortium and/or database; Not observed at significant frequency in large population cohorts (gnomAD); Also known as 1499dup, 1499insA, c.1380insA; This variant is associated with the following publications: (PMID: 19619314, 18215206, 36881271, 8808710, 23199084, 18821011, 12872265, 24065113, 16026807, 27163896, 8875986, 29452958, 29907814, 30736435, 36139606, 16267036, 17591842, 17257844, 28888541, 14531499, 20104584, 27062684, 24884479, 28199346, 29446198, 31209999, 38386807)

Baylor Genetics
Classification: Pathogenic for Breast-ovarian cancer, familial, susceptibility to, 1. Last evaluated: 2022-10-12. Review status: criteria provided, single submitter. Criteria: ACMG Guidelines, 2015. Collection method: clinical testing. Allele origin: unknown. Not counted in ClinVar's aggregate classification.

Color Diagnostics, LLC DBA Color Health
Classification: Pathogenic for Hereditary cancer-predisposing syndrome. Last evaluated: 2021-12-28. Review status: criteria provided, single submitter. Criteria: ACMG Guidelines, 2015. Collection method: clinical testing. Allele origin: germline. Not counted in ClinVar's aggregate classification.
Comment: This variant inserts 1 nucleotide in exon 10 of the BRCA1 gene, creating a frameshift and premature translation stop signal. This variant is expected to result in an absent or non-functional protein product. This variant has been reported in at least 14 families affected with hereditary breast and ovarian cancer and is thought to be a founder mutation in Italian population (PMID: 23199084). This variant has not been identified in the general population by the Genome Aggregation Database (gnomAD). Loss of BRCA1 function is a known mechanism of disease. Based on the available evidence, this variant is classified as Pathogenic.

Department of Molecular Diagnostics, Institute of Oncology Ljubljana
Classification: Pathogenic for Breast-ovarian cancer, familial, susceptibility to, 1. Last evaluated: 2020-04-02. Review status: criteria provided, single submitter. Criteria: ACMG Guidelines, 2015. Collection method: clinical testing. Allele origin: germline. Affected: yes. Not counted in ClinVar's aggregate classification.

Mendelics
Classification: Pathogenic for Breast-ovarian cancer, familial, susceptibility to, 1. Last evaluated: 2019-05-28. Review status: criteria provided, single submitter. Criteria: Mendelics Assertion Criteria 2017. Collection method: clinical testing. Allele origin: unknown. Not counted in ClinVar's aggregate classification.

Women's Health and Genetics/Laboratory Corporation of America, LabCorp
Classification: Pathogenic for Hereditary breast ovarian cancer syndrome. Last evaluated: 2016-02-08. Review status: criteria provided, single submitter. Criteria: LabCorp Variant Classification Summary - May 2015. Collection method: clinical testing. Allele origin: germline. Not counted in ClinVar's aggregate classification.

Consortium of Investigators of Modifiers of BRCA1/2 (CIMBA), c/o University of Cambridge
Classification: Pathogenic for Breast-ovarian cancer, familial, susceptibility to, 1. Last evaluated: 2015-10-02. Review status: criteria provided, single submitter. Criteria: CIMBA Mutation Classification guidelines May 2016. Collection method: clinical testing. Allele origin: germline. Not counted in ClinVar's aggregate classification.

Clinical and Functional Genomics Group, A.C.Camargo Cancer Center
Classification: Pathogenic for Breast Cancer. Review status: criteria provided, single submitter. Criteria: Silva et al. (BMC Med Genet. 2014). Collection method: research. Allele origin: germline. Affected: yes. Not counted in ClinVar's aggregate classification.

BRCAlab, Lund University
Classification: Pathogenic for Breast-ovarian cancer, familial, susceptibility to, 1. Last evaluated: 2020-03-02. Review status: no assertion criteria provided. Collection method: clinical testing. Allele origin: germline. Affected: yes. Not counted in ClinVar's aggregate classification.

Research Molecular Genetics Laboratory, Women's College Hospital, University of Toronto
Classification: Pathogenic for Hereditary breast ovarian cancer syndrome. Last evaluated: 2014-01-31. Review status: no assertion criteria provided. Collection method: research. Allele origin: germline. Affected: yes. Study: The Canadian Open Genetics Repository (COGR). Not counted in ClinVar's aggregate classification.

Sharing Clinical Reports Project (SCRP)
Classification: Pathogenic for Breast-ovarian cancer, familial 1. Last evaluated: 2009-11-25. Review status: no assertion criteria provided. Collection method: clinical testing. Allele origin: germline. Not counted in ClinVar's aggregate classification.

Breast Cancer Information Core (BIC) (BRCA1)
Classification: Pathogenic for Breast-ovarian cancer, familial 1. Last evaluated: 2002-05-29. Review status: no assertion criteria provided. Collection method: clinical testing. Allele origin: germline. Affected: yes. Observed: 12 variant alleles. Not counted in ClinVar's aggregate classification.

Literature cited by the submitters: PubMed 32375709 (cited by Dasa); PubMed 21989022 (cited by Dasa); PubMed 11802209 (cited by Dasa); PubMed 20104584 (cited by Labcorp Genetics (formerly Invitae), Labcorp); PubMed 8808710 (cited by Labcorp Genetics (formerly Invitae), Labcorp and Ambry Genetics); PubMed 23199084 (cited by 3 submitters); PubMed 24884479 (cited by Labcorp Genetics (formerly Invitae), Labcorp and Ambry Genetics); PubMed 14531499 (cited by Ambry Genetics and Women's Health and Genetics/Laboratory Corporation of America, LabCorp); PubMed 16267036 (cited by Ambry Genetics and Women's Health and Genetics/Laboratory Corporation of America, LabCorp); PubMed 17257844 (cited by Ambry Genetics); PubMed 17591842 (cited by Ambry Genetics); PubMed 18215206 (cited by Ambry Genetics); PubMed 18821011 (cited by Ambry Genetics); PubMed 19619314 (cited by Ambry Genetics); PubMed 27062684 (cited by Ambry Genetics); PubMed 27163896 (cited by Ambry Genetics); PubMed 28199346 (cited by Ambry Genetics); PubMed 29446198 (cited by Ambry Genetics); PubMed 29907814 (cited by Ambry Genetics); PubMed 30736435 (cited by Ambry Genetics); PubMed 8875986 (cited by Ambry Genetics); PubMed 23469205 (cited by Clinical and Functional Genomics Group, A.C.Camargo Cancer Center).